The following is an entry in ClinVar:

NM_012186.3(FOXE3):c.555dup (p.Phe186fs)

Genes: FOXE3 (forkhead box E3; plus strand), LINC01389 (long independently transcribed non-coding RNA 1389; minus strand). Cytogenetic location: 1p33.
Variant type: Duplication.
Coding change: c.555dup on transcript NM_012186.3 (MANE Select); coding-DNA position 555, one base duplicated (C; older notation c.555dupC).
Protein change: p.Phe186fs; shifts the reading frame from phenylalanine 186.
Molecular consequence: frameshift variant.
Genome position (GRCh38, 1-based): chr1:47,416,870, C duplicated; the last of 4 consecutive C bases (chr1:47,416,867-47,416,870); duplicating any one gives the same sequence. VCF-style (leftmost placement, unchanged base first): chr1-47416866-T-TC. GRCh37 (hg19) VCF-style: chr1-47882538-T-TC.
Other names: short protein forms F186fs.
Identifiers: ClinVar variation 1428067 (VCV001428067.6), dbSNP rs1465921700, ClinGen allele CA736354113.

ClinVar aggregate classification (germline): Pathogenic (1 of 4 stars; one submission).

Conditions:
Congenital primary aphakia. Also called: ANTERIOR SEGMENT DYSGENESIS 2; Anterior segment dysgenesis 2, multiple subtypes. Identifiers: Orphanet 83461, MedGen C1853230, MONDO:0012456, OMIM 610256.
Anterior segment dysgenesis. Also called: Ocular anterior segment dysgenesis. Identifiers: Orphanet 88632, MedGen C1862839, MONDO:0019503, HP:0007700.

Submission:

Labcorp Genetics (formerly Invitae), Labcorp
Classification: Pathogenic for Anterior segment dysgenesis; Congenital primary aphakia. Last evaluated: 2021-10-13. Review status: criteria provided, single submitter. Criteria: Invitae Variant Classification Sherloc (09022015). Collection method: clinical testing. Allele origin: germline.
Comment: The frequency data for this variant in the population databases is considered unreliable, as metrics indicate insufficient coverage at this position in the ExAC database. This sequence change creates a premature translational stop signal (p.Phe186Leufs*99) in the FOXE3 gene. While this is not anticipated to result in nonsense mediated decay, it is expected to disrupt the last 134 amino acid(s) of the FOXE3 protein. For these reasons, this variant has been classified as Pathogenic. This variant disrupts a region of the FOXE3 protein in which other variant(s) (p.Cys240*) have been determined to be pathogenic (PMID: 16826526, 20140963, 24033328). This suggests that this is a clinically significant region of the protein, and that variants that disrupt it are likely to be disease-causing. This variant has not been reported in the literature in individuals affected with FOXE3-related conditions.

Literature cited by the submitters: PubMed 16826526; PubMed 20140963; PubMed 24033328.